The following is an entry in ClinVar:

ClinVar aggregate classification (germline): Uncertain significance. Review status: criteria provided, multiple submitters, no conflicts (2 of 4 stars). 2 submissions from 2 submitters: Uncertain significance (2). Last evaluated 2023-09-10.

Conditions:
Landau-Kleffner syndrome (FESD). Also called: APHASIA, ACQUIRED, WITH EPILEPSY; EPILEPSY, FOCAL, WITH SPEECH DISORDER AND WITH OR WITHOUT MENTAL RETARDATION. Identifiers: Orphanet 1945, Orphanet 725, Orphanet 98818, MedGen C0282512, MONDO:0009509, OMIM 245570.

Allele frequency attached by ClinVar (database versions not stated): gnomAD exomes below 0.00001; ExAC 0.00001; gnomAD 0.00001.
gnomAD v4.1: 2 of 1,613,764 alleles (0.00012%); highest among the groups gnomAD compares: African/African-American, 0.0013%; no homozygotes.

Submissions (2):

Labcorp Genetics (formerly Invitae), Labcorp
Classification: Uncertain significance for Landau-Kleffner syndrome. Last evaluated: 2023-09-10. Review status: criteria provided, single submitter. Criteria: Invitae Variant Classification Sherloc (09022015). Collection method: clinical testing. Allele origin: germline.
Comment: In summary, the available evidence is currently insufficient to determine the role of this variant in disease. Therefore, it has been classified as a Variant of Uncertain Significance. Advanced modeling of protein sequence and biophysical properties (such as structural, functional, and spatial information, amino acid conservation, physicochemical variation, residue mobility, and thermodynamic stability) performed at Invitae indicates that this missense variant is not expected to disrupt GRIN2A protein function. ClinVar contains an entry for this variant (Variation ID: 1367696). This variant has not been reported in the literature in individuals affected with GRIN2A-related conditions. This variant is present in population databases (rs778951185, gnomAD 0.0009%). This sequence change replaces arginine, which is basic and polar, with histidine, which is basic and polar, at codon 1288 of the GRIN2A protein (p.Arg1288His).

GeneDx
Classification: Uncertain significance. Last evaluated: 2022-09-02. Review status: criteria provided, single submitter. Criteria: GeneDx Variant Classification Process June 2021. Collection method: clinical testing. Allele origin: germline. Affected: yes.
Comment: Not observed at significant frequency in large population cohorts (gnomAD); In silico analysis supports that this missense variant has a deleterious effect on protein structure/function; Has not been previously published as pathogenic or benign to our knowledge; This variant is associated with the following publications: (PMID: 32014051)

NM_001134407.3(GRIN2A):c.3863G>A (p.Arg1288His)

Gene: GRIN2A (glutamate ionotropic receptor NMDA type subunit 2A; minus strand). Cytogenetic location: 16p13.2.
Variant type: single nucleotide variant.
Coding change: c.3863G>A on transcript NM_001134407.3 (MANE Select); coding-DNA position 3863, G replaced by A.
Protein change: p.Arg1288His; replaces arginine 1288 with histidine.
Molecular consequence: missense variant. On other transcripts: intron variant (1).
Genome position (GRCh38, 1-based): chr16:9,763,681, C>T on the plus strand (G>A on the coding strand, the complement: GRIN2A is on the minus strand). VCF-style: chr16-9763681-C-T. GRCh37 (hg19) VCF-style: chr16-9857538-C-T.
Other names: c.3863G>A, p.Arg1288His (NM_000833.5); c.3772+91G>A (NM_001134408.2); short protein forms R1288H.
Identifiers: ClinVar variation 1367696 (VCV001367696.10), dbSNP rs778951185, ClinGen allele CA7896246.